The following is an entry in ClinVar:

ClinVar aggregate classification (germline): Likely benign. Review status: criteria provided, multiple submitters, no conflicts (2 of 4 stars). 4 submissions from 4 submitters: Likely benign (2). 2 of the submissions do not count toward it. Last evaluated 2026-01-28.

Conditions:
TMEM216-related disorder. Also called: TMEM216-related disorders; TMEM216-related condition.
Joubert syndrome. Also called: JOUBERT-BOLTSHAUSER SYNDROME; Familial aplasia of the vermis. Identifiers: Orphanet 475, MedGen C5979921, MONDO:0018772.
Joubert syndrome 2 (JBTS2). Also called: CEREBELLOOCULORENAL SYNDROME 2. Identifiers: Orphanet 2318, MedGen C1842577, MONDO:0011963, OMIM 608091.

Allele frequency attached by ClinVar (database versions not stated): gnomAD 0.00003; TOPMed 0.00004; ExAC 0.00007; gnomAD exomes 0.00008.
gnomAD v4.1: 36 of 1,613,844 alleles (0.0022%); highest among the groups gnomAD compares: East Asian, 0.074%; 1 homozygote.

Submissions (4):

Labcorp Genetics (formerly Invitae), Labcorp
Classification: Likely benign for Joubert syndrome. Last evaluated: 2026-01-28. Review status: criteria provided, single submitter. Criteria: Invitae Variant Classification Sherloc (09022015). Collection method: clinical testing. Allele origin: germline.

Blueprint Genetics
Classification: Likely benign. Last evaluated: 2022-01-11. Review status: criteria provided, single submitter. Criteria: ACMG Guidelines, 2015. Collection method: clinical testing. Allele origin: germline.

PreventionGenetics, part of Exact Sciences
Classification: Likely benign for TMEM216-related condition. Last evaluated: 2021-03-17. Review status: no assertion criteria provided. Collection method: clinical testing. Allele origin: germline. Not counted in ClinVar's aggregate classification.
Comment: This variant is classified as likely benign based on ACMG/AMP sequence variant interpretation guidelines (Richards et al. 2015 PMID: 25741868, with internal and published modifications).

Natera, Inc.
Classification: Likely benign for Joubert syndrome type 2. Last evaluated: 2020-09-16. Review status: no assertion criteria provided. Collection method: clinical testing. Allele origin: germline. Not counted in ClinVar's aggregate classification.

NM_001173990.3(TMEM216):c.405G>A (p.Glu135=)

Gene: TMEM216 (transmembrane protein 216; plus strand). Cytogenetic location: 11q12.2.
Variant type: single nucleotide variant.
Coding change: c.405G>A on transcript NM_001173990.3 (MANE Select); coding-DNA position 405, G replaced by A.
Protein change: p.Glu135=; no amino-acid change (glutamic acid 135 retained).
Molecular consequence: synonymous variant.
Genome position (GRCh38, 1-based): chr11:61,397,949, G>A. VCF-style: chr11-61397949-G-A. GRCh37 (hg19) VCF-style: chr11-61165421-G-A.
Other names: c.405G>A (NM_001173991.2); c.405G>A, p.Glu135= (NM_001173991.3); c.222G>A, p.Glu74= (NM_001330285.2, NM_016499.6).
Identifiers: ClinVar variation 407338 (VCV000407338.16), dbSNP rs748486939, ClinGen allele CA6034761.